The following is an entry in ClinVar:

NM_000264.5(PTCH1):c.2369_2370del (p.Phe790fs)

Genes: PTCH1 (patched 1; minus strand), LOC100507346 (uncharacterized LOC100507346; plus strand). Cytogenetic location: 9q22.32.
Variant type: Deletion.
Coding change: c.2369_2370del on transcript NM_000264.5 (MANE Select); coding-DNA positions 2369 to 2370, 2 bases deleted (TT; older notation c.2369_2370delTT).
Protein change: p.Phe790fs; shifts the reading frame from phenylalanine 790.
Molecular consequence: frameshift variant.
Genome position (GRCh38, 1-based): chr9:95,467,306-95,467,307, AA deleted on the plus strand (TT on the coding strand, the reverse complement: PTCH1 is on the minus strand); deleting any 2 consecutive bases within chr9:95,467,306-95,467,308 gives the same sequence; the c. name uses the placement nearest the transcript's 3' end. VCF-style (leftmost placement, unchanged base first): chr9-95467305-TAA-T. GRCh37 (hg19) VCF-style: chr9-98229587-TAA-T.
Other names: c.2171_2172del, p.Phe724fs (NM_001083602.3); c.2366_2367del, p.Phe789fs (NM_001083603.3); c.1916_1917del, p.Phe639fs (NM_001083604.3, NM_001083605.3, NM_001083606.3 and 1 more transcripts); c.2213_2214del, p.Phe738fs (NM_001354918.2); short protein forms F639fs, F724fs, F738fs, F789fs, F790fs.
Identifiers: ClinVar variation 1071471 (VCV001071471.7), dbSNP rs2117966753, ClinGen allele CA2499220045.

ClinVar aggregate classification (germline): Pathogenic (1 of 4 stars; one submission).

Conditions:
Gorlin syndrome. Also called: Nevoid Basal Cell Carcinoma Syndrome; Basal cell nevus syndrome. Identifiers: Orphanet 377, MedGen C0004779, MONDO:0007187.

Submission:

Labcorp Genetics (formerly Invitae), Labcorp
Classification: Pathogenic for Gorlin syndrome. Last evaluated: 2020-05-13. Review status: criteria provided, single submitter. Criteria: Invitae Variant Classification Sherloc (09022015). Collection method: clinical testing. Allele origin: germline.
Comment: For these reasons, this variant has been classified as Pathogenic. Loss-of-function variants in PTCH1 are known to be pathogenic (PMID: 16301862, 16419085). This variant has not been reported in the literature in individuals with PTCH1-related conditions. This variant is not present in population databases (ExAC no frequency). This sequence change creates a premature translational stop signal (p.Phe790Tyrfs*38) in the PTCH1 gene. It is expected to result in an absent or disrupted protein product.

Literature cited by the submitters: PubMed 16301862; PubMed 16419085.